The following is an entry in ClinVar:

NM_033004.4(NLRP1):c.4175G>A (p.Arg1392Gln)

Gene: NLRP1 (NLR family pyrin domain containing 1; minus strand). Cytogenetic location: 17p13.2.
Variant type: single nucleotide variant.
Coding change: c.4175G>A on transcript NM_033004.4 (MANE Select); coding-DNA position 4175, G replaced by A.
Protein change: p.Arg1392Gln; replaces arginine 1392 with glutamine.
Molecular consequence: missense variant. On other transcripts: intron variant (1).
Genome position (GRCh38, 1-based): chr17:5,515,001, C>T on the plus strand (G>A on the coding strand, the complement: NLRP1 is on the minus strand). VCF-style: chr17-5515001-C-T. GRCh37 (hg19) VCF-style: chr17-5418321-C-T.
Other names: c.4043G>A, p.Arg1348Gln (NM_014922.5); c.4085G>A, p.Arg1362Gln (NM_033006.4); c.3953G>A, p.Arg1318Gln (NM_033007.4); c.4069+2745G>A (NM_001033053.3); short protein forms R1318Q, R1348Q, R1392Q, R1362Q.
Identifiers: ClinVar variation 1441174 (VCV001441174.6), dbSNP rs201588311, ClinGen allele CA8326611.

ClinVar aggregate classification (germline): Uncertain significance (1 of 4 stars; one submission).

Allele frequency attached by ClinVar (database versions not stated): ExAC 0.00002; gnomAD exomes 0.00004 and 0.00012; TOPMed 0.00006; gnomAD 0.00011 and 0.00012.
gnomAD v4.1: 185 of 1,614,088 alleles (0.011%); highest among the groups gnomAD compares: African/African-American, 0.028%; no homozygotes.

Submission:

Labcorp Genetics (formerly Invitae), Labcorp
Classification: Uncertain significance. Last evaluated: 2024-09-15. Review status: criteria provided, single submitter. Criteria: Invitae Variant Classification Sherloc (09022015). Collection method: clinical testing. Allele origin: germline.
Comment: This sequence change replaces arginine, which is basic and polar, with glutamine, which is neutral and polar, at codon 1392 of the NLRP1 protein (p.Arg1392Gln). This variant is present in population databases (rs201588311, gnomAD 0.02%). This variant has not been reported in the literature in individuals affected with NLRP1-related conditions. ClinVar contains an entry for this variant (Variation ID: 1441174). An algorithm developed to predict the effect of missense changes on protein structure and function (PolyPhen-2) suggests that this variant is likely to be disruptive. In summary, the available evidence is currently insufficient to determine the role of this variant in disease. Therefore, it has been classified as a Variant of Uncertain Significance.